The following is an entry in ClinVar:

NM_003072.5(SMARCA4):c.3993C>T (p.Pro1331=)

Gene: SMARCA4 (SWI/SNF related BAF chromatin remodeling complex subunit ATPase 4; plus strand). Cytogenetic location: 19p13.2.
Variant type: single nucleotide variant.
Coding change: c.3993C>T on transcript NM_003072.5 (MANE Select); coding-DNA position 3993, C replaced by T.
Protein change: p.Pro1331=; no amino-acid change (proline 1331 retained).
Molecular consequence: synonymous variant. On other transcripts: non-coding transcript variant (1).
Genome position (GRCh38, 1-based): chr19:11,034,955, C>T. VCF-style: chr19-11034955-C-T. GRCh37 (hg19) VCF-style: chr19-11145631-C-T.
Other names: c.3993C>T, p.Pro1331= (NM_001128844.3, NM_001128849.3, NM_001387283.1); c.3894C>T, p.Pro1298= (NM_001128845.2, NM_001128846.2, NM_001128847.4 and 2 more transcripts).
Identifiers: ClinVar variation 470376 (VCV000470376.39), dbSNP rs747916992, ClinGen allele CA9204578.

ClinVar aggregate classification (germline): Benign/Likely benign. Review status: criteria provided, multiple submitters, no conflicts (2 of 4 stars). 5 submissions from 5 submitters: Benign (1); Likely benign (4). Last evaluated 2026-07-17.

Conditions:
Rhabdoid tumor predisposition syndrome 2 (RTPS2). Identifiers: Orphanet 231108, Orphanet 69077, MedGen C2750074, MONDO:0013224, OMIM 613325.
Hereditary cancer-predisposing syndrome. Also called: Tumor predisposition; Neoplastic Syndromes, Hereditary; Hereditary Cancer Syndrome; Hereditary neoplastic syndrome. Identifiers: Orphanet 140162, MedGen C0027672, MeSH D009386, MONDO:0015356.

Allele frequency attached by ClinVar (database versions not stated): ExAC 0.00003; TOPMed below 0.00001.

Submissions (5):

Myriad Genetics, Inc.
Classification: Benign for Rhabdoid tumor predisposition syndrome 2. Last evaluated: 2026-07-17. Review status: criteria provided, single submitter. Criteria: Myriad Autosomal Dominant, Autosomal Recessive and X-Linked Classification Criteria (2023). Collection method: clinical testing. Allele origin: unknown.
Comment: This variant is considered benign. This variant is a silent/synonymous amino acid change and it is not expected to impact splicing.

CeGaT Center for Human Genetics Tuebingen
Classification: Likely benign. Last evaluated: 2026-02-01. Review status: criteria provided, single submitter. Criteria: CeGaT Center For Human Genetics Tuebingen Variant Classification Criteria Version 2. Collection method: clinical testing. Allele origin: germline. Affected: yes. Observed: 2 variant alleles.
Comment: SMARCA4: BP4, BP7

Labcorp Genetics (formerly Invitae), Labcorp
Classification: Likely benign for Rhabdoid tumor predisposition syndrome 2. Last evaluated: 2025-08-31. Review status: criteria provided, single submitter. Criteria: Invitae Variant Classification Sherloc (09022015). Collection method: clinical testing. Allele origin: germline.

Sema4
Classification: Likely benign for Hereditary cancer-predisposing syndrome. Last evaluated: 2021-09-25. Review status: criteria provided, single submitter. Criteria: Sema4 Curation Guidelines. Collection method: curation. Allele origin: germline.

Ambry Genetics
Classification: Likely benign for Hereditary cancer-predisposing syndrome. Last evaluated: 2015-11-05. Review status: criteria provided, single submitter. Criteria: Ambry Variant Classification Scheme 2023. Collection method: clinical testing. Allele origin: germline.